The following is an entry in ClinVar:

NM_001171.6(ABCC6):c.2177T>C (p.Leu726Pro)

Gene: ABCC6 (ATP binding cassette subfamily C member 6; minus strand). Cytogenetic location: 16p13.11.
Variant type: single nucleotide variant.
Coding change: c.2177T>C on transcript NM_001171.6 (MANE Select); coding-DNA position 2177, T replaced by C.
Protein change: p.Leu726Pro; replaces leucine 726 with proline.
Molecular consequence: missense variant. On other transcripts: non-coding transcript variant (1).
Genome position (GRCh38, 1-based): chr16:16,182,482, A>G on the plus strand (T>C on the coding strand, the complement: ABCC6 is on the minus strand). VCF-style: chr16-16182482-A-G. GRCh37 (hg19) VCF-style: chr16-16276339-A-G.
Other names: c.1835T>C, p.Leu612Pro (NM_001351800.1); short protein forms L726P, L612P.
Identifiers: ClinVar variation 433263 (VCV000433263.4), dbSNP rs72653785, ClinGen allele CA278647884.
Genomic context (GRCh38, chr16:16,182,482, plus strand): 5'-ATTGAAGTGTGGATTCCCTCAGGGAAGCTGTCCACATCTGGCTGCAGGGCACAGGCTTCT[A>G]GTACTCTCTCCAGCCAGGGTGGGTCCAGCTCCTGCCCGAAGCACACATTCTCTACCACAG-3'
Protein context (NP_001162.5, residues 716-736): ELDPPWLERV[Leu726Pro]EACALQPDVD

ClinVar aggregate classification (germline): Likely pathogenic. Review status: criteria provided, multiple submitters, no conflicts (2 of 4 stars). 2 submissions from 2 submitters: Likely pathogenic (2). Last evaluated 2025-03-05.

Conditions:
ABCC6-related disorder. Also called: ABCC6-related condition.
Autosomal recessive inherited pseudoxanthoma elasticum (PXE). Identifiers: Orphanet 758, MedGen CN032334, MONDO:0009925, OMIM 264800.

Submissions (2):

PreventionGenetics, part of Exact Sciences
Classification: Likely pathogenic for ABCC6-related condition. Last evaluated: 2025-03-05. Review status: criteria provided, single submitter. Criteria: ACMG Guidelines, 2015. Collection method: clinical testing. Allele origin: germline.
Comment: The ABCC6 c.2177T>C variant is predicted to result in the amino acid substitution p.Leu726Pro. This variant has been reported in an individual with pseudoxanthoma elasticum; however, it is unclear if another variant was detected (Table S2, Pfendner et al. 2007. PubMed ID: 17617515). It has also been reported the heterozygous state in individual undergoing testing for pseudoxanthoma elasticum; however, a second variant was not detected (Table S1, Verschuere et al. 2020. PubMed ID: 32873932). Functional studies found this variant had beta-galactosidase signal <10% of wildtype (Ran et al. 2018. PubMed ID: 30154241). This variant has not been reported in a large population database (gnomAD), indicating this variant is rare. This variant is interpreted as likely pathogenic.

PXE International
Classification: Likely pathogenic for Autosomal recessive inherited pseudoxanthoma elasticum. Last evaluated: 2021-03-01. Review status: criteria provided, single submitter. Criteria: Submitter's publication. Collection method: research. Allele origin: germline. Inheritance: Autosomal recessive inheritance. Affected: yes. Observed: 1 variant allele.

Literature cited by the submitters: PubMed 32873932 (cited by PXE International).